The following is an entry in ClinVar:

NM_001374736.1(DST):c.20976C>A (p.Asn6992Lys)

Gene: DST (dystonin; minus strand). Cytogenetic location: 6p12.1.
Variant type: single nucleotide variant.
Coding change: c.20976C>A on transcript NM_001374736.1 (MANE Select); coding-DNA position 20976, C replaced by A.
Protein change: p.Asn6992Lys; replaces asparagine 6992 with lysine.
Molecular consequence: missense variant.
Genome position (GRCh38, 1-based): chr6:56,487,175, G>T on the plus strand (C>A on the coding strand, the complement: DST is on the minus strand). VCF-style: chr6-56487175-G-T. GRCh37 (hg19) VCF-style: chr6-56351973-G-T.
Other names: c.14619C>A, p.Asn4873Lys (NM_001144769.5); c.14205C>A, p.Asn4735Lys (NM_001144770.2); c.20976C>A, p.Asn6992Lys (NM_001374722.1); c.20016C>A, p.Asn6672Lys (NM_001374729.1); c.13758C>A, p.Asn4586Lys (NM_001374730.1); c.21003C>A, p.Asn7001Lys (NM_001374734.1); c.14085C>A, p.Asn4695Lys (NM_001386100.1, NM_183380.4); c.13107C>A, p.Asn4369Lys (NM_015548.5); short protein forms N4735K, N7001K, N4695K, N6672K, N4873K, N6992K, N4369K, N4586K.
Identifiers: ClinVar variation 1368948 (VCV001368948.6), dbSNP rs199658821, ClinGen allele CA3866612.

ClinVar aggregate classification (germline): Uncertain significance (1 of 4 stars; one submission).

Conditions:
Epidermolysis bullosa simplex 3, localized or generalized intermediate, with BP230 deficiency (EBS3). Also called: Epidermolysis bullosa simplex due to BP230 deficiency; Epidermolysis bullosa simplex, autosomal recessive 2. Identifiers: Orphanet 412181, MedGen C3809470, MONDO:0014180, OMIM 615425.
Hereditary sensory and autonomic neuropathy type 6. Also called: HSAN VI; Neuropathy, hereditary sensory and autonomic, type VI. Identifiers: Orphanet 314381, MedGen C3539003, MONDO:0013839, OMIM 614653.

gnomAD v4.1: 5 of 1,613,912 alleles (0.00031%); highest among the groups gnomAD compares: Admixed American, 0.0067%; no homozygotes.

Submission:

Labcorp Genetics (formerly Invitae), Labcorp
Classification: Uncertain significance for Epidermolysis bullosa simplex 3, localized or generalized intermediate, with BP230 deficiency; Hereditary sensory and autonomic neuropathy type 6. Last evaluated: 2021-04-29. Review status: criteria provided, single submitter. Criteria: Invitae Variant Classification Sherloc (09022015). Collection method: clinical testing. Allele origin: germline.
Comment: In summary, the available evidence is currently insufficient to determine the role of this variant in disease. Therefore, it has been classified as a Variant of Uncertain Significance. Experimental studies and prediction algorithms are not available or were not evaluated, and the functional significance of this variant is currently unknown. This variant has not been reported in the literature in individuals with DST-related conditions. This variant is present in population databases (rs199658821, ExAC 0.009%). This sequence change replaces asparagine with lysine at codon 4369 of the DST protein (p.Asn4369Lys). The DST gene has multiple clinically relevant transcripts. This variant occurs in alternate transcript NM_015548.4, and corresponds to NM_001723.5:c.*128342C>A in the primary transcript.